The following is an entry in ClinVar:

NC_000008.10:g.(?_100108530)_(100287492_?)del

Gene: VPS13B (vacuolar protein sorting 13 homolog B; plus strand). Cytogenetic location: 8q22.2.
Variant type: Deletion.
Identifiers: ClinVar variation 1070870 (VCV001070870.5).

ClinVar aggregate classification (germline): Pathogenic (1 of 4 stars; one submission).

Conditions:
Cohen syndrome (COH1). Also called: PEPPER SYNDROME; Cutis verticis gyrata, retinitis pigmentosa, and sensorineural deafness. Identifiers: Orphanet 193, MedGen C0265223, MONDO:0008999, OMIM 216550.

Submission:

Labcorp Genetics (formerly Invitae), Labcorp
Classification: Pathogenic for Cohen syndrome. Last evaluated: 2022-04-14. Review status: criteria provided, single submitter. Criteria: Invitae Variant Classification Sherloc (09022015). Collection method: clinical testing. Allele origin: germline.
Comment: This variant is a gross deletion of the genomic region encompassing exon(s) 4-19 of the VPS13B gene. This deletion is out-of-frame, and is expected to create a premature termination codon and result in an absent or disrupted protein product. Loss-of-function variants in VPS13B are known to be pathogenic (PMID: 15141358, 16648375, 20461111). This variant has not been reported in the literature in individuals affected with VPS13B-related conditions. For these reasons, this variant has been classified as Pathogenic.

Literature cited by the submitters: PubMed 15141358; PubMed 16648375; PubMed 20461111.